The following is an entry in ClinVar:

ClinVar aggregate classification (germline): Conflicting classifications of pathogenicity. Review status: criteria provided, conflicting classifications (1 of 4 stars). 16 submissions from 16 submitters: Uncertain significance (5); Likely benign (6). 5 of the submissions do not count toward it. Last evaluated 2026-01-27.

Conditions:
LAMA4-related disorder. Also called: LAMA4-related condition.
Cardiovascular phenotype. Identifiers: MedGen CN230736.
Dilated cardiomyopathy 1JJ (CMD1JJ). Identifiers: Orphanet 154, MedGen C3808935, MONDO:0014095, OMIM 615235.
Cardiomyopathy (CMYO). Also called: Cardiomyopathies. Identifiers: Orphanet 167848, MedGen C0878544, MONDO:0004994, HP:0001638. Inheritance: Various modes of inheritance.
Primary dilated cardiomyopathy (DCM). Also called: Dilated Cardiomyopathy. Identifiers: Orphanet 217604, MedGen C0007193, MeSH D002311, MONDO:0005021, HP:0001644. Inheritance: Various modes of inheritance.

Allele frequency attached by ClinVar (database versions not stated): TOPMed 0.00065; gnomAD 0.00067; gnomAD exomes 0.00080 and 0.00092; ExAC 0.00083; ESP Exome Variant Server 0.00108.
gnomAD v4.1: 1,412 of 1,593,550 alleles (0.089%); highest among the groups gnomAD compares: Non-Finnish European, 0.11%; 4 homozygotes.

Submissions (16):

Labcorp Genetics (formerly Invitae), Labcorp
Classification: Likely benign for Dilated cardiomyopathy 1JJ. Last evaluated: 2026-01-27. Review status: criteria provided, single submitter. Criteria: Invitae Variant Classification Sherloc (09022015). Collection method: clinical testing. Allele origin: germline.

Blueprint Genetics
Classification: Likely benign. Last evaluated: 2024-11-04. Review status: criteria provided, single submitter. Criteria: ACMG Guidelines, 2015. Collection method: clinical testing. Allele origin: germline.

Women's Health and Genetics/Laboratory Corporation of America, LabCorp
Classification: Likely benign. Last evaluated: 2024-01-22. Review status: criteria provided, single submitter. Criteria: LabCorp Variant Classification Summary - May 2015. Collection method: clinical testing. Allele origin: germline.

ARUP Laboratories, Molecular Genetics and Genomics, ARUP Laboratories
Classification: Likely benign for Dilated cardiomyopathy 1JJ. Last evaluated: 2022-04-21. Review status: criteria provided, single submitter. Criteria: ARUP Molecular Germline Variant Investigation Process 2021. Collection method: clinical testing. Allele origin: germline.

Center for Genomics, Ann and Robert H. Lurie Children's Hospital of Chicago
Classification: Uncertain significance for Dilated cardiomyopathy 1JJ. Last evaluated: 2021-03-30. Review status: criteria provided, single submitter. Criteria: ACMG Guidelines, 2015. Collection method: clinical testing. Allele origin: germline.
Comment: LAMA4 NM_002290.4 exon 17 p.Arg717Lys (c.2150G>A): This variant has not been reported in the literature and is present in 0.1% (163/129082) of European alleles in the Genome Aggregation Database. This variant is present in ClinVar, with several labs classifying this variant as likely benign (Variation ID:44361). Evolutionary conservation and computational predictive tools suggest that this variant may not impact the protein. In summary, data on this variant suggests that this variant does not cause disease, but requires further evidence. Therefore this variant is classified as likely benign.

Klaassen Lab, Charite University Medicine Berlin
Classification: Uncertain significance for Primary dilated cardiomyopathy. Last evaluated: 2019-07-03. Review status: criteria provided, single submitter. Criteria: ACMG Guidelines, 2015. Collection method: research. Allele origin: germline. Affected: yes.

Ambry Genetics
Classification: Likely benign for Cardiovascular phenotype. Last evaluated: 2018-02-05. Review status: criteria provided, single submitter. Criteria: Ambry Variant Classification Scheme 2023. Collection method: clinical testing. Allele origin: germline.

CHEO Genetics Diagnostic Laboratory, Children's Hospital of Eastern Ontario
Classification: Uncertain significance for Cardiomyopathy. Last evaluated: 2017-04-11. Review status: criteria provided, single submitter. Criteria: ACMG Guidelines, 2015. Collection method: clinical testing. Allele origin: germline. Study: Canadian Open Genetics Repository.

GeneDx
Classification: Uncertain significance. Last evaluated: 2017-01-26. Review status: criteria provided, single submitter. Criteria: GeneDx Variant Classification (06012015). Collection method: clinical testing. Allele origin: germline. Affected: yes.
Comment: Although the R717K variant in the LAMA4 gene has not been published as pathogenic or been reported as benign to our knowledge, it has been reported as a variant of uncertain significance by another clinical laboratory in ClinVar (SCV000061006.3; Landrum et al., 2016), and has been reported as likely benign in the ClinSeq Project (Ng et al., 2013). This variant has been observed in 0.1-0.2% of alleles from individuals of European ancestry in large population cohorts (Lek et al., 2016; Exome Variant Server). The R717K variant is a conservative amino acid substitution, which is not likely to impact secondary protein structure as these residues share similar properties. Although this substitution occurs at a position conserved in mammals, in silico analysis predicts this variant likely does not alter the protein structure/function.

Laboratory for Molecular Medicine, Mass General Brigham Personalized Medicine
Classification: Uncertain significance. Last evaluated: 2015-05-18. Review status: criteria provided, single submitter. Criteria: LMM Criteria. Collection method: clinical testing. Allele origin: germline. Observed: 3 variant alleles.
Comment: Variant classified as Uncertain Significance - Favor Benign. This variant has also been identified in 0.1% (92/66738) of European chromosomes by the Exome Aggregat ion Consortium (ExAC; dbSNP rs146868519). Comput ational prediction tools and conservation analysis suggest that the p.Arg717Lys variant may not impact the protein and 2 species (green sea turtle and tasmanian devil) carry a lysine (Lys) at this position suggesting this change may be tole rated. However, this information is not predictive enough to rule out pathogenic ity. This variant is located in the last three bases of the exon, which is part of the 5? splice region. Computational tools do not suggest an impact to splicin g. However, this information is not predictive enough to rule out pathogenicity. In summary, while the clinical significance of the p.Arg717Lys variant is uncer tain, these data suggest that it is more likely to be benign.

Biesecker Lab/Clinical Genomics Section, National Institutes of Health
Classification: Likely benign. Last evaluated: 2013-06-24. Review status: criteria provided, single submitter. Criteria: Ng et al. (Circ Cardiovasc Genet. 2013). Collection method: research. Allele origin: unknown. Observed: 1 variant allele. Study: ClinSeq.
Comment: The study set was not selected for affection status in relation to any cancer. Pathogenicity categories were based on literature curation. See Pubmed ID:23861362 for details.

Medical sequencing

PreventionGenetics, part of Exact Sciences
Classification: Likely benign for LAMA4-related condition. Last evaluated: 2022-04-04. Review status: no assertion criteria provided. Collection method: clinical testing. Allele origin: germline. Not counted in ClinVar's aggregate classification.
Comment: This variant is classified as likely benign based on ACMG/AMP sequence variant interpretation guidelines (Richards et al. 2015 PMID: 25741868, with internal and published modifications).

Clinical Genetics DNA and cytogenetics Diagnostics Lab, Erasmus MC, Erasmus Medical Center
Classification: Likely benign. Review status: no assertion criteria provided. Collection method: clinical testing. Allele origin: germline. Affected: yes. Study: VKGL Data-share Consensus. Not counted in ClinVar's aggregate classification.

Diagnostic Laboratory, Department of Genetics, University Medical Center Groningen
Classification: Likely benign for Dilated cardiomyopathy 1JJ. Review status: no assertion criteria provided. Collection method: clinical testing. Allele origin: germline. Affected: yes. Study: VKGL Data-share Consensus. Not counted in ClinVar's aggregate classification.

Genome Diagnostics Laboratory, University Medical Center Utrecht
Classification: Likely benign. Review status: no assertion criteria provided. Collection method: clinical testing. Allele origin: germline. Affected: yes. Study: VKGL Data-share Consensus. Not counted in ClinVar's aggregate classification.

Joint Genome Diagnostic Labs from Nijmegen and Maastricht, Radboudumc and MUMC+
Classification: Likely benign. Review status: no assertion criteria provided. Collection method: clinical testing. Allele origin: germline. Affected: yes. Study: VKGL Data-share Consensus. Not counted in ClinVar's aggregate classification.

Literature cited by the submitters: PubMed 31333075 (cited by Klaassen Lab, Charite University Medicine Berlin); PubMed 31568572 (cited by Klaassen Lab, Charite University Medicine Berlin).

NM_001105206.3(LAMA4):c.2171G>A (p.Arg724Lys)

Gene: LAMA4 (laminin subunit alpha 4; minus strand). Cytogenetic location: 6q21.
Variant type: single nucleotide variant.
Coding change: c.2171G>A on transcript NM_001105206.3 (MANE Select); coding-DNA position 2171, G replaced by A.
Protein change: p.Arg724Lys; replaces arginine 724 with lysine.
Molecular consequence: missense variant.
Genome position (GRCh38, 1-based): chr6:112,150,513, C>T on the plus strand (G>A on the coding strand, the complement: LAMA4 is on the minus strand). VCF-style: chr6-112150513-C-T. GRCh37 (hg19) VCF-style: chr6-112471715-C-T.
Other names: p.R717K:AGA>AAA; c.2150G>A, p.Arg717Lys (NM_001105207.3, NM_002290.5); short protein forms R717K, R724K.
Identifiers: ClinVar variation 44361 (VCV000044361.39), dbSNP rs146868519, ClinGen allele CA238395.